The following is an entry in ClinVar:

ClinVar aggregate classification (germline): Uncertain significance (1 of 4 stars; one submission).

gnomAD v4.1: 1 of 1,612,848 alleles (0.000062%); highest among the groups gnomAD compares: Non-Finnish European, 0.000085%; no homozygotes.

Submission:

Labcorp Genetics (formerly Invitae), Labcorp
Classification: Uncertain significance. Last evaluated: 2025-11-24. Review status: criteria provided, single submitter. Criteria: Invitae Variant Classification Sherloc (09022015). Collection method: clinical testing. Allele origin: germline.
Comment: This sequence change replaces serine, which is neutral and polar, with phenylalanine, which is neutral and non-polar, at codon 1062 of the KMT2A protein (p.Ser1062Phe). This variant is not present in population databases (gnomAD no frequency). This variant has not been reported in the literature in individuals affected with KMT2A-related conditions. Invitae Evidence Modeling of protein sequence and biophysical properties (such as structural, functional, and spatial information, amino acid conservation, physicochemical variation, residue mobility, and thermodynamic stability) has been performed for this missense variant. However, the output from this modeling did not meet the statistical confidence thresholds required to predict the impact of this variant on KMT2A protein function. In summary, the available evidence is currently insufficient to determine the role of this variant in disease. Therefore, it has been classified as a Variant of Uncertain Significance.

NM_001197104.2(KMT2A):c.3185C>T (p.Ser1062Phe)

Gene: KMT2A (lysine methyltransferase 2A; plus strand). Cytogenetic location: 11q23.3.
Variant type: single nucleotide variant.
Coding change: c.3185C>T on transcript NM_001197104.2 (MANE Select); coding-DNA position 3185, C replaced by T.
Protein change: p.Ser1062Phe; replaces serine 1062 with phenylalanine.
Molecular consequence: missense variant.
Genome position (GRCh38, 1-based): chr11:118,476,833, C>T. VCF-style: chr11-118476833-C-T. GRCh37 (hg19) VCF-style: chr11-118347548-C-T.
Other names: c.3284C>T, p.Ser1095Phe (NM_001412597.1); c.3185C>T, p.Ser1062Phe (NM_005933.4); short protein forms S1062F, S1095F.
Identifiers: ClinVar variation 4800528 (VCV004800528.1).
Genomic context (GRCh38, chr11:118,476,833, plus strand): 5'-TTGTTATTGTTTTTGGATTGCCTCATATTCAGGGTCAAGAAAGTGACTCATCAGAGACCT[C>T]TGTGCGAGGACCCCGGATTAAACATGTCTGCAGAAGAGCAGCTGTTGCCCTTGGCCGAAA-3'
Protein context (NP_001184033.1, residues 1052-1072): QGQESDSSET[Ser1062Phe]VRGPRIKHVC